The following is an entry in ClinVar:

NM_018077.3(RBM28):c.1387A>C (p.Met463Leu)

Gene: RBM28 (RNA binding motif protein 28; minus strand). Cytogenetic location: 7q32.1.
Variant type: single nucleotide variant.
Coding change: c.1387A>C on transcript NM_018077.3 (MANE Select); coding-DNA position 1387, A replaced by C.
Protein change: p.Met463Leu; replaces methionine 463 with leucine.
Molecular consequence: missense variant.
Genome position (GRCh38, 1-based): chr7:128,323,544, T>G on the plus strand (A>C on the coding strand, the complement: RBM28 is on the minus strand). VCF-style: chr7-128323544-T-G. GRCh37 (hg19) VCF-style: chr7-127963597-T-G.
Other names: c.964A>C, p.Met322Leu (NM_001166135.2); short protein forms M322L, M463L.
Identifiers: ClinVar variation 717652 (VCV000717652.5), dbSNP rs138703329, ClinGen allele CA4470011.

ClinVar aggregate classification (germline): Likely benign. Review status: criteria provided, multiple submitters, no conflicts (2 of 4 stars). 2 submissions from 2 submitters: Likely benign (2). Last evaluated 2026-03-06.

Conditions:
RBM28-related disorder. Also called: RBM28-related condition.

Allele frequency attached by ClinVar (database versions not stated): TOPMed 0.00167; gnomAD 0.00173 and 0.00178; ESP Exome Variant Server 0.00254; 1000 Genomes Project 30x 0.00031; 1000 Genomes Project 0.00040; ExAC 0.00149; gnomAD exomes 0.00151.
gnomAD v4.1: 4,424 of 1,614,254 alleles (0.27%); highest among the groups gnomAD compares: Non-Finnish European, 0.35%; 9 homozygotes.

Submissions (2):

PreventionGenetics, part of Exact Sciences
Classification: Likely benign for RBM28-related condition. Last evaluated: 2026-03-06. Review status: criteria provided, single submitter. Criteria: ACMG Guidelines, 2015. Collection method: clinical testing. Allele origin: germline.
Comment: This variant is classified as likely benign based on ACMG/AMP sequence variant interpretation guidelines (Richards et al. 2015 PMID: 25741868, with internal and published modifications).

Labcorp Genetics (formerly Invitae), Labcorp
Classification: Likely benign. Last evaluated: 2019-12-31. Review status: criteria provided, single submitter. Criteria: Invitae Variant Classification Sherloc (09022015). Collection method: clinical testing. Allele origin: germline.